The following is an entry in ClinVar:

NM_178452.6(DNAAF1):c.1578T>C (p.Leu526=)

Gene: DNAAF1 (dynein axonemal assembly factor 1; plus strand). Cytogenetic location: 16q24.1.
Variant type: single nucleotide variant.
Coding change: c.1578T>C on transcript NM_178452.6 (MANE Select); coding-DNA position 1578, T replaced by C.
Protein change: p.Leu526=; no amino-acid change (leucine 526 retained).
Molecular consequence: synonymous variant.
Genome position (GRCh38, 1-based): chr16:84,172,309, T>C. VCF-style: chr16-84172309-T-C. GRCh37 (hg19) VCF-style: chr16-84205915-T-C.
Other names: c.870T>C, p.Leu290= (NM_001318756.1); c.1578T>C (NM_178452.5).
Identifiers: ClinVar variation 2885286 (VCV002885286.4), dbSNP rs2507491889, ClinGen allele CA496770458.

ClinVar aggregate classification (germline): Likely benign. Review status: criteria provided, multiple submitters, no conflicts (2 of 4 stars). 2 submissions from 2 submitters: Likely benign (2). Last evaluated 2025-03-20.

Conditions:
Primary ciliary dyskinesia. Also called: Ciliary dyskinesia. Identifiers: Orphanet 244, MedGen C0008780, MONDO:0016575, HP:0012265.
DNAAF1-related disorder. Also called: DNAAF1-related condition.

Allele frequency attached by ClinVar (database versions not stated): gnomAD exomes below 0.00001.
gnomAD v4.1: 1 of 1,614,200 alleles (0.000062%); highest among the groups gnomAD compares: Non-Finnish European, 0.000085%; no homozygotes.

Submissions (2):

PreventionGenetics, part of Exact Sciences
Classification: Likely benign for DNAAF1-related condition. Last evaluated: 2025-03-20. Review status: criteria provided, single submitter. Criteria: ACMG Guidelines, 2015. Collection method: clinical testing. Allele origin: germline.
Comment: This variant is classified as likely benign based on ACMG/AMP sequence variant interpretation guidelines (Richards et al. 2015 PMID: 25741868, with internal and published modifications).

Labcorp Genetics (formerly Invitae), Labcorp
Classification: Likely benign for Primary ciliary dyskinesia. Last evaluated: 2023-09-13. Review status: criteria provided, single submitter. Criteria: Invitae Variant Classification Sherloc (09022015). Collection method: clinical testing. Allele origin: germline.